The following is an entry in ClinVar:

NM_014727.3(KMT2B):c.2369AGA[1] (p.Lys791del)

Gene: KMT2B (lysine methyltransferase 2B; plus strand). Cytogenetic location: 19q13.12.
Variant type: Microsatellite.
Coding change: c.2369AGA[1] on transcript NM_014727.3 (MANE Select); one copy of the 3-base unit AGA starting at c.2369; the reference has two copies in a row; one copy, 3 bases deleted.
Protein change: p.Lys791del; deletes lysine 791.
Molecular consequence: inframe deletion.
Genome position (GRCh38, 1-based): chr19:35,721,719-35,721,721, AGA deleted; deleting any 3 consecutive bases within chr19:35,721,716-35,721,721 gives the same sequence; the position shown is the placement nearest the transcript's 3' end. VCF-style (leftmost placement, unchanged base first): chr19-35721715-GAGA-G. GRCh37 (hg19) VCF-style: chr19-36212617-GAGA-G.
Other names: short protein forms K791del.
Identifiers: ClinVar variation 3389564 (VCV003389564.15).

ClinVar aggregate classification (germline): Uncertain significance. Review status: criteria provided, multiple submitters, no conflicts (2 of 4 stars). 2 submissions from 2 submitters: Uncertain significance (2). Last evaluated 2024-09-01.

Submissions (2):

CeGaT Center for Human Genetics Tuebingen
Classification: Uncertain significance. Last evaluated: 2024-09-01. Review status: criteria provided, single submitter. Criteria: CeGaT Center For Human Genetics Tuebingen Variant Classification Criteria Version 2. Collection method: clinical testing. Allele origin: germline. Affected: yes. Observed: 1 variant allele.
Comment: KMT2B: PM4:Supporting

Blueprint Genetics
Classification: Uncertain significance. Last evaluated: 2023-05-10. Review status: criteria provided, single submitter. Criteria: ACMG Guidelines, 2015. Collection method: clinical testing. Allele origin: germline.